The following is an entry in ClinVar:

ClinVar aggregate classification (germline): Uncertain significance (1 of 4 stars; one submission).

Conditions:
Progressive myoclonic epilepsy. Also called: Familial progressive myoclonic epilepsy; Myoclonic Epilepsies, Progressive; Myoclonus epilepsy; Progressive myoclonus epilepsy. Identifiers: Orphanet 308, Orphanet 98261, MedGen C0751778, MONDO:0020074.

Allele frequency attached by ClinVar (database versions not stated): gnomAD exomes below 0.00001.

Submission:

Labcorp Genetics (formerly Invitae), Labcorp
Classification: Uncertain significance for Progressive myoclonic epilepsy. Last evaluated: 2023-08-24. Review status: criteria provided, single submitter. Criteria: Invitae Variant Classification Sherloc (09022015). Collection method: clinical testing. Allele origin: germline.
Comment: This variant has not been reported in the literature in individuals affected with GOSR2-related conditions. In summary, the available evidence is currently insufficient to determine the role of this variant in disease. Therefore, it has been classified as a Variant of Uncertain Significance. An algorithm developed to predict the effect of missense changes on protein structure and function (PolyPhen-2) suggests that this variant is likely to be tolerated. ClinVar contains an entry for this variant (Variation ID: 1365510). This variant is present in population databases (no rsID available, gnomAD 0.0009%). This sequence change replaces proline, which is neutral and non-polar, with leucine, which is neutral and non-polar, at codon 59 of the GOSR2 protein (p.Pro59Leu).

NM_004287.5(GOSR2):c.176C>T (p.Pro59Leu)

Genes: GOSR2 (golgi SNAP receptor complex member 2; plus strand), LRRC37A2 (leucine rich repeat containing 37 member A2), LOC126862578 (BRD4-independent group 4 enhancer GRCh37_chr17:45008344-45009543; plus strand). Cytogenetic location: 17q21.32.
Variant type: single nucleotide variant.
Coding change: c.176C>T on transcript NM_004287.5 (MANE Select); coding-DNA position 176, C replaced by T.
Protein change: p.Pro59Leu; replaces proline 59 with leucine.
Molecular consequence: missense variant. On other transcripts: non-coding transcript variant (3).
Genome position (GRCh38, 1-based): chr17:46,931,180, C>T. VCF-style: chr17-46931180-C-T. GRCh37 (hg19) VCF-style: chr17-45008546-C-T.
Other names: c.176C>T, p.Pro59Leu (NM_001012511.3, NM_001321133.2, NM_001330252.2 and 1 more transcripts); c.122C>T, p.Pro41Leu (NM_001321134.2, NM_001363851.2); c.173C>T, p.Pro58Leu (NM_001353114.2, NM_001353115.2, NM_001353116.2); short protein forms P41L, P58L, P59L.
Identifiers: ClinVar variation 1365510 (VCV001365510.6), dbSNP rs1252615412, ClinGen allele CA400016772.
Genomic context (GRCh38, chr17:46,931,180, plus strand): 5'-CAAGCATAGACCAGATATTCAGCCGTCTAGAACGTCTGGAGATTTTGTCCAGCAAGGAGC[C>T]CCCTAACAAAAGGCAAAATGCCAGACTGTAAGTGCTGACCTCTGACATGGCTCTGATACT-3'
Protein context (NP_004278.2, residues 49-69): ERLEILSSKE[Pro59Leu]PNKRQNARLR